The following is an entry in ClinVar:

NM_152296.5(ATP1A3):c.1012G>A (p.Ala338Thr)

Gene: ATP1A3 (ATPase Na+/K+ transporting subunit alpha 3; minus strand). Cytogenetic location: 19q13.2.
Variant type: single nucleotide variant.
Coding change: c.1012G>A on transcript NM_152296.5 (MANE Select); coding-DNA position 1012, G replaced by A.
Protein change: p.Ala338Thr; replaces alanine 338 with threonine.
Molecular consequence: missense variant.
Genome position (GRCh38, 1-based): chr19:41,982,088, C>T on the plus strand (G>A on the coding strand, the complement: ATP1A3 is on the minus strand). VCF-style: chr19-41982088-C-T. GRCh37 (hg19) VCF-style: chr19-42486240-C-T.
Other names: c.1045G>A, p.Ala349Thr (NM_001256213.2); c.1051G>A, p.Ala351Thr (NM_001256214.2); short protein forms A338T, A349T, A351T.
Identifiers: ClinVar variation 1361624 (VCV001361624.8), dbSNP rs2145972624, ClinGen allele CA406051692.

ClinVar aggregate classification (germline): Uncertain significance (1 of 4 stars; one submission).

Conditions:
Dystonia 12 (DYT12). Also called: DYT-ATP1A3; Rapid-Onset Dystonia-Parkinsonism (RDP). Identifiers: Orphanet 71517, MedGen C1868681, MONDO:0007496, OMIM 128235.

Submission:

Labcorp Genetics (formerly Invitae), Labcorp
Classification: Uncertain significance for Dystonia 12. Last evaluated: 2021-02-01. Review status: criteria provided, single submitter. Criteria: Invitae Variant Classification Sherloc (09022015). Collection method: clinical testing. Allele origin: germline.
Comment: This sequence change replaces alanine with threonine at codon 338 of the ATP1A3 protein (p.Ala338Thr). The alanine residue is highly conserved and there is a small physicochemical difference between alanine and threonine. In summary, the available evidence is currently insufficient to determine the role of this variant in disease. Therefore, it has been classified as a Variant of Uncertain Significance. Advanced modeling of protein sequence and biophysical properties (such as structural, functional, and spatial information, amino acid conservation, physicochemical variation, residue mobility, and thermodynamic stability) performed at Invitae indicates that this missense variant is expected to disrupt ATP1A3 protein function. This variant has not been reported in the literature in individuals with ATP1A3-related conditions. This variant is not present in population databases (ExAC no frequency).